The following is an entry in ClinVar:

NM_000435.3(NOTCH3):c.6311C>T (p.Ser2104Leu)

Gene: NOTCH3 (notch receptor 3; minus strand). Cytogenetic location: 19p13.12.
Variant type: single nucleotide variant.
Coding change: c.6311C>T on transcript NM_000435.3 (MANE Select); coding-DNA position 6311, C replaced by T.
Protein change: p.Ser2104Leu; replaces serine 2104 with leucine.
Molecular consequence: missense variant.
Genome position (GRCh38, 1-based): chr19:15,161,317, G>A on the plus strand (C>T on the coding strand, the complement: NOTCH3 is on the minus strand). VCF-style: chr19-15161317-G-A. GRCh37 (hg19) VCF-style: chr19-15272128-G-A.
Other names: short protein forms S2104L.
Identifiers: ClinVar variation 4682287 (VCV004682287.1).

ClinVar aggregate classification (germline): Uncertain significance (1 of 4 stars; one submission).

gnomAD v4.1: 14 of 1,525,878 alleles (0.00092%); highest among the groups gnomAD compares: South Asian, 0.0012%; no homozygotes.

Submission:

Athena Diagnostics
Classification: Uncertain significance. Last evaluated: 2025-09-08. Review status: criteria provided, single submitter. Criteria: Athena Diagnostics Criteria. Collection method: clinical testing. Allele origin: unknown.
Comment: Available data are insufficient to determine the clinical significance of the variant at this time. The frequency of this variant in the general population is uninformative in assessment of its pathogenicity. Polyphen and MutationTaster predict this amino acid change may be damaging to the protein.

Literature cited by the submitters: PubMed 29700822.